The following is an entry in ClinVar:

NM_006517.5(SLC16A2):c.24C>G (p.Ser8Arg)

Gene: SLC16A2 (solute carrier family 16 member 2; plus strand). Cytogenetic location: Xq13.2.
Variant type: single nucleotide variant.
Coding change: c.24C>G on transcript NM_006517.5 (MANE Select); coding-DNA position 24, C replaced by G.
Protein change: p.Ser8Arg; replaces serine 8 with arginine.
Molecular consequence: missense variant.
Genome position (GRCh38, 1-based): chrX:74,421,661, C>G. VCF-style: chrX-74421661-C-G. GRCh37 (hg19) VCF-style: chrX-73641496-C-G.
Other names: short protein forms S8R.
Identifiers: ClinVar variation 2144132 (VCV002144132.4), dbSNP rs1256724518, ClinGen allele CA413655603.
Genomic context (GRCh38, chrX:74,421,661, plus strand): 5'-CTCCTCTGGCCCAAGCAGCCACAGTCCCCCCGCCGCGATGGCGCTGCAAAGCCAGGCGAG[C>G]GAGGAAGCAAAGGGGCCCTGGCAGGAGGCAGACCAGGAACAGCAGGAGCCGGTGGGTAGC-3'
Protein context (NP_006508.2, residues 1-18): MALQSQA[Ser8Arg]EEAKGPWQEA

ClinVar aggregate classification (germline): Uncertain significance (1 of 4 stars; one submission).

Conditions:
Spastic paraplegia. Identifiers: MedGen C0037772, HP:0001258.

gnomAD v4.1: 5 of 1,203,230 alleles (0.00042%); highest among the groups gnomAD compares: African/African-American, 0.0052%; no homozygotes.

Submission:

Labcorp Genetics (formerly Invitae), Labcorp
Classification: Uncertain significance for Spastic paraplegia. Last evaluated: 2025-11-03. Review status: criteria provided, single submitter. Criteria: Invitae Variant Classification Sherloc (09022015). Collection method: clinical testing. Allele origin: germline.
Comment: This sequence change replaces serine, which is neutral and polar, with arginine, which is basic and polar, at codon 8 of the SLC16A2 protein (p.Ser8Arg). This variant is not present in population databases (gnomAD no frequency). This variant has not been reported in the literature in individuals affected with SLC16A2-related conditions. ClinVar contains an entry for this variant (Variation ID: 2144132). Invitae Evidence Modeling of protein sequence and biophysical properties (such as structural, functional, and spatial information, amino acid conservation, physicochemical variation, residue mobility, and thermodynamic stability) indicates that this missense variant is not expected to disrupt SLC16A2 protein function with a negative predictive value of 95%. In summary, the available evidence is currently insufficient to determine the role of this variant in disease. Therefore, it has been classified as a Variant of Uncertain Significance.